The following is an entry in ClinVar:

ClinVar aggregate classification (germline): Uncertain significance (1 of 4 stars; one submission).

Submission:

Women's Health and Genetics/Laboratory Corporation of America, LabCorp
Classification: Uncertain significance. Last evaluated: 2026-05-07. Review status: criteria provided, single submitter. Criteria: LabCorp Variant Classification Summary - May 2015. Collection method: clinical testing. Allele origin: germline.
Comment: Variant summary: GP1BB c.52C>T (p.Pro18Ser) results in a non-conservative amino acid change in the encoded protein sequence. Algorithms developed to predict the effect of missense changes on protein structure and function are either unavailable or do not agree on the potential impact of this missense change. The variant allele was found at a frequency of 7.7e-05 in 117556 control chromosomes. The available data on variant occurrences in the general population are insufficient to allow any conclusion about variant significance. To our knowledge, no occurrence of c.52C>T in individuals affected with GP1BB-related conditions and no experimental evidence demonstrating its impact on protein function have been reported. No submitters have cited clinical-significance assessments for this variant to ClinVar. Based on the evidence outlined above, the variant was classified as uncertain significance.

NM_000407.5(GP1BB):c.52C>T (p.Pro18Ser)

Genes: GP1BB (glycoprotein Ib platelet subunit beta; plus strand), SEPT5-GP1BB (SEPT5-GP1BB readthrough; plus strand). Cytogenetic location: 22q11.21.
Variant type: single nucleotide variant.
Coding change: c.52C>T on transcript NM_000407.5 (MANE Select); coding-DNA position 52, C replaced by T.
Protein change: p.Pro18Ser; replaces proline 18 with serine.
Molecular consequence: missense variant. On other transcripts: non-coding transcript variant (2).
Genome position (GRCh38, 1-based): chr22:19,723,895, C>T. VCF-style: chr22-19723895-C-T. GRCh37 (hg19) VCF-style: chr22-19711418-C-T.
Other names: short protein forms P18S.
Identifiers: ClinVar variation 4853485 (VCV004853485.1).
Genomic context (GRCh38, chr22:19,723,895, plus strand): 5'-TGCGGCGCTTCCCTTGCAGGGCCGCGCGGGGCGCTGAGCTTACTGCTCCTGCTGCTGGCC[C>T]CGCCGAGCCGCCCGGCCGCAGGTTGCCCGGCGCCCTGTAGCTGCGCGGGGACGCTCGTGG-3'
Protein context (NP_000398.1, residues 8-28): ALSLLLLLLA[Pro18Ser]PSRPAAGCPA